The following is an entry in ClinVar:

NM_139057.4(ADAMTS17):c.2225G>A (p.Arg742His)

Gene: ADAMTS17 (ADAM metallopeptidase with thrombospondin type 1 motif 17; minus strand). Cytogenetic location: 15q26.3.
Variant type: single nucleotide variant.
Coding change: c.2225G>A on transcript NM_139057.4 (MANE Select); coding-DNA position 2225, G replaced by A.
Protein change: p.Arg742His; replaces arginine 742 with histidine.
Molecular consequence: missense variant.
Genome position (GRCh38, 1-based): chr15:100,053,967, C>T on the plus strand (G>A on the coding strand, the complement: ADAMTS17 is on the minus strand). VCF-style: chr15-100053967-C-T. GRCh37 (hg19) VCF-style: chr15-100594172-C-T.
Other names: short protein forms R742H.
Identifiers: ClinVar variation 1498607 (VCV001498607.4), dbSNP rs997964661, ClinGen allele CA275475894.

ClinVar aggregate classification (germline): Uncertain significance. Review status: criteria provided, multiple submitters, no conflicts (2 of 4 stars). 2 submissions from 2 submitters: Uncertain significance (2). Last evaluated 2022-07-12.

Allele frequency attached by ClinVar (database versions not stated): gnomAD exomes 0.00001; gnomAD 0.00005 and 0.00006.
gnomAD v4.1: 76 of 1,614,034 alleles (0.0047%); highest among the groups gnomAD compares: African/African-American, 0.013%; no homozygotes.

Submissions (2):

Labcorp Genetics (formerly Invitae), Labcorp
Classification: Uncertain significance. Last evaluated: 2022-07-12. Review status: criteria provided, single submitter. Criteria: Invitae Variant Classification Sherloc (09022015). Collection method: clinical testing. Allele origin: germline.
Comment: This sequence change replaces arginine with histidine at codon 742 of the ADAMTS17 protein (p.Arg742His). The arginine residue is highly conserved and there is a small physicochemical difference between arginine and histidine. This variant is present in population databases (no rsID available, gnomAD 0.02%). This variant has not been reported in the literature in individuals affected with ADAMTS17-related conditions. ClinVar contains an entry for this variant (Variation ID: 1498607). Algorithms developed to predict the effect of missense changes on protein structure and function are either unavailable or do not agree on the potential impact of this missense change (SIFT: "Not Available"; PolyPhen-2: "Probably Damaging"; Align-GVGD: "Not Available"). Algorithms developed to predict the effect of sequence changes on RNA splicing suggest that this variant may disrupt the consensus splice site. In summary, the available evidence is currently insufficient to determine the role of this variant in disease. Therefore, it has been classified as a Variant of Uncertain Significance.

Breakthrough Genomics
Classification: Uncertain significance. Review status: criteria provided, single submitter. Criteria: ACMG Guidelines, 2015. Collection method: not provided. Allele origin: germline. Inheritance: Autosomal recessive inheritance. Affected: yes.